The following is an entry in ClinVar:

NM_001267550.2(TTN):c.3963+4A>G

Genes: TTN (titin; minus strand), LOC101927055 (uncharacterized LOC101927055; plus strand). Cytogenetic location: 2q31.2.
Variant type: single nucleotide variant.
Coding change: c.3963+4A>G on transcript NM_001267550.2 (MANE Select); 4 bases into the intron after coding-DNA position 3963, A replaced by G.
Molecular consequence: intron variant.
Genome position (GRCh38, 1-based): chr2:178,779,225, T>C on the plus strand (A>G on the coding strand, the complement: TTN is on the minus strand). VCF-style: chr2-178779225-T-C. GRCh37 (hg19) VCF-style: chr2-179643952-T-C.
Other names: c.3825+4A>G (NM_003319.4, NM_133437.4, NM_133432.3); c.3963+4A>G (NM_133378.4, NM_001256850.1, NM_133379.5).
Identifiers: ClinVar variation 1321640 (VCV001321640.2), dbSNP rs2154347664, ClinGen allele CA2573051809.

ClinVar aggregate classification (germline): Uncertain significance (1 of 4 stars; one submission).

Submission:

GeneDx
Classification: Uncertain significance. Last evaluated: 2021-11-05. Review status: criteria provided, single submitter. Criteria: GeneDx Variant Classification Process June 2021. Collection method: clinical testing. Allele origin: germline. Affected: yes.
Comment: Not observed at significant frequency in large population cohorts (Lek et al., 2016); Has not been previously published as pathogenic or benign to our knowledge; In-silico analysis is inconclusive as to whether the variant alters gene splicing. In the absence of RNA/functional studies, the actual effect of this sequence change is unknown.